The following is an entry in ClinVar:

NM_000252.3(MTM1):c.1389G>T (p.Leu463Phe)

Gene: MTM1 (myotubularin 1; plus strand). Cytogenetic location: Xq28.
Variant type: single nucleotide variant.
Coding change: c.1389G>T on transcript NM_000252.3 (MANE Select); coding-DNA position 1389, G replaced by T.
Protein change: p.Leu463Phe; replaces leucine 463 with phenylalanine.
Molecular consequence: missense variant.
Genome position (GRCh38, 1-based): chrX:150,660,406, G>T. VCF-style: chrX-150660406-G-T. GRCh37 (hg19) VCF-style: chrX-149828879-G-T.
Other names: c.1389G>T, p.Leu463Phe (NM_001376906.1, NM_001376908.1); c.1278G>T, p.Leu426Phe (NM_001376907.1); short protein forms L426F, L463F.
Identifiers: ClinVar variation 2083320 (VCV002083320.5), dbSNP rs145233301, ClinGen allele CA10539257.

ClinVar aggregate classification (germline): Uncertain significance. Review status: criteria provided, multiple submitters, no conflicts (2 of 4 stars). 2 submissions from 2 submitters: Uncertain significance (2). Last evaluated 2024-06-05.

Conditions:
Severe X-linked myotubular myopathy (CNMX). Also called: MYOTUBULAR MYOPATHY 1; X-linked centronuclear myopathy; Myotubular myopathy, X-linked. Identifiers: Orphanet 596, MedGen C0410203, MONDO:0010683, OMIM 310400.

Allele frequency attached by ClinVar (database versions not stated): ExAC 0.00002; gnomAD exomes 0.00002; TOPMed 0.00004; gnomAD 0.00005; ESP Exome Variant Server 0.00009.
gnomAD v4.1: 25 of 1,198,321 alleles (0.0021%); highest among the groups gnomAD compares: African/African-American, 0.016%; no homozygotes.

Submissions (2):

Labcorp Genetics (formerly Invitae), Labcorp
Classification: Uncertain significance for Severe X-linked myotubular myopathy. Last evaluated: 2024-06-05. Review status: criteria provided, single submitter. Criteria: Invitae Variant Classification Sherloc (09022015). Collection method: clinical testing. Allele origin: germline.
Comment: This sequence change replaces leucine, which is neutral and non-polar, with phenylalanine, which is neutral and non-polar, at codon 463 of the MTM1 protein (p.Leu463Phe). The frequency data for this variant in the population databases is considered unreliable, as metrics indicate poor data quality at this position in the gnomAD database. This variant has not been reported in the literature in individuals affected with MTM1-related conditions. ClinVar contains an entry for this variant (Variation ID: 2083320). Advanced modeling of protein sequence and biophysical properties (such as structural, functional, and spatial information, amino acid conservation, physicochemical variation, residue mobility, and thermodynamic stability) performed at Invitae indicates that this missense variant is expected to disrupt MTM1 protein function with a positive predictive value of 95%. In summary, the available evidence is currently insufficient to determine the role of this variant in disease. Therefore, it has been classified as a Variant of Uncertain Significance.

Revvity Omics, Revvity
Classification: Uncertain significance. Last evaluated: 2019-05-07. Review status: criteria provided, single submitter. Criteria: ACMG Guidelines, 2015. Collection method: clinical testing. Allele origin: germline.